The following is an entry in ClinVar:

NM_001365999.1(SZT2):c.2747G>T (p.Arg916Leu)

Gene: SZT2 (SZT2 subunit of KICSTOR complex; plus strand). Cytogenetic location: 1p34.2.
Variant type: single nucleotide variant.
Coding change: c.2747G>T on transcript NM_001365999.1 (MANE Select); coding-DNA position 2747, G replaced by T.
Protein change: p.Arg916Leu; replaces arginine 916 with leucine.
Molecular consequence: missense variant.
Genome position (GRCh38, 1-based): chr1:43,425,575, G>T. VCF-style: chr1-43425575-G-T. GRCh37 (hg19) VCF-style: chr1-43891246-G-T.
Other names: c.2747G>T, p.Arg916Leu (NM_015284.4); short protein forms R916L.
Identifiers: ClinVar variation 1951572 (VCV001951572.4), dbSNP rs572909512, ClinGen allele CA808788.

ClinVar aggregate classification (germline): Uncertain significance (1 of 4 stars; one submission).

Allele frequency attached by ClinVar (database versions not stated): ExAC 0.00001.
gnomAD v4.1: 3 of 1,614,216 alleles (0.00019%); highest among the groups gnomAD compares: Admixed American, 0.0033%; no homozygotes.

Submission:

Labcorp Genetics (formerly Invitae), Labcorp
Classification: Uncertain significance. Last evaluated: 2022-02-18. Review status: criteria provided, single submitter. Criteria: Invitae Variant Classification Sherloc (09022015). Collection method: clinical testing. Allele origin: germline.
Comment: This variant has not been reported in the literature in individuals affected with SZT2-related conditions. This variant is present in population databases (rs572909512, gnomAD 0.006%). This sequence change replaces arginine, which is basic and polar, with leucine, which is neutral and non-polar, at codon 916 of the SZT2 protein (p.Arg916Leu). Algorithms developed to predict the effect of missense changes on protein structure and function are either unavailable or do not agree on the potential impact of this missense change (SIFT: "Deleterious"; PolyPhen-2: "Benign"; Align-GVGD: "Class C0"). In summary, the available evidence is currently insufficient to determine the role of this variant in disease. Therefore, it has been classified as a Variant of Uncertain Significance.